The following is an entry in ClinVar:

ClinVar aggregate classification (germline): Uncertain significance (1 of 4 stars; one submission).

Conditions:
Tuberous sclerosis 2 (TSC2). Identifiers: Orphanet 805, MedGen C1860707, MONDO:0013199, OMIM 613254.

Allele frequency attached by ClinVar (database versions not stated): TOPMed below 0.00001.

Submission:

Labcorp Genetics (formerly Invitae), Labcorp
Classification: Uncertain significance for Tuberous sclerosis 2. Last evaluated: 2024-06-11. Review status: criteria provided, single submitter. Criteria: Invitae Variant Classification Sherloc (09022015). Collection method: clinical testing. Allele origin: germline.
Comment: This sequence change replaces proline, which is neutral and non-polar, with serine, which is neutral and polar, at codon 642 of the TSC2 protein (p.Pro642Ser). This variant is not present in population databases (gnomAD no frequency). This variant has not been reported in the literature in individuals affected with TSC2-related conditions. Advanced modeling of protein sequence and biophysical properties (such as structural, functional, and spatial information, amino acid conservation, physicochemical variation, residue mobility, and thermodynamic stability) performed at Invitae indicates that this missense variant is not expected to disrupt TSC2 protein function with a negative predictive value of 95%. In summary, the available evidence is currently insufficient to determine the role of this variant in disease. Therefore, it has been classified as a Variant of Uncertain Significance.

NM_000548.5(TSC2):c.1924C>T (p.Pro642Ser)

Gene: TSC2 (TSC complex subunit 2; plus strand). Cytogenetic location: 16p13.3.
Variant type: single nucleotide variant.
Coding change: c.1924C>T on transcript NM_000548.5 (MANE Select); coding-DNA position 1924, C replaced by T.
Protein change: p.Pro642Ser; replaces proline 642 with serine.
Molecular consequence: missense variant. On other transcripts: non-coding transcript variant (5).
Genome position (GRCh38, 1-based): chr16:2,071,594, C>T. VCF-style: chr16-2071594-C-T. GRCh37 (hg19) VCF-style: chr16-2121595-C-T.
Other names: c.1324C>T, p.Pro442Ser (NM_001406683.1, NM_001406684.1, NM_001406685.1 and 6 more transcripts); c.580C>T, p.Pro194Ser (NM_001406689.1, NM_001406690.1, NM_001406691.1 and 6 more transcripts); c.1924C>T, p.Pro642Ser (NM_001077183.3, NM_001114382.3, NM_001363528.2 and 6 more transcripts); c.1813C>T, p.Pro605Ser (NM_001318827.2, NM_001406670.1, NM_001406678.1); c.1777C>T, p.Pro593Ser (NM_001318829.2, NM_001406675.1, NM_001406676.1 and 1 more transcripts); c.1957C>T, p.Pro653Ser (NM_001318832.2); c.2014C>T, p.Pro672Ser (NM_001406667.1, NM_001406668.1); c.1912C>T, p.Pro638Ser (NM_001406671.1, NM_001406673.1); and 3 more; short protein forms P623S, P653S, P108S, P593S, P672S, P488S, P605S, P638S.
Identifiers: ClinVar variation 2803227 (VCV002803227.3), dbSNP rs889366862, ClinGen allele CA276737356.